The following is an entry in ClinVar:

NM_001165963.4(SCN1A):c.2536G>A (p.Glu846Lys)

Gene: SCN1A (sodium voltage-gated channel alpha subunit 1; minus strand). Cytogenetic location: 2q24.3.
Variant type: single nucleotide variant.
Coding change: c.2536G>A on transcript NM_001165963.4 (MANE Select); coding-DNA position 2536, G replaced by A.
Protein change: p.Glu846Lys; replaces glutamic acid 846 with lysine.
Molecular consequence: missense variant. On other transcripts: non-coding transcript variant (1).
Genome position (GRCh38, 1-based): chr2:166,039,476, C>T on the plus strand (G>A on the coding strand, the complement: SCN1A is on the minus strand). VCF-style: chr2-166039476-C-T. GRCh37 (hg19) VCF-style: chr2-166895986-C-T.
Other names: c.2452G>A, p.Glu818Lys (NM_001165964.3, NM_001353957.2, NM_001353958.2); c.2536G>A, p.Glu846Lys (NM_001202435.3, NM_001353948.2); c.2503G>A, p.Glu835Lys (NM_001353949.2, NM_001353950.2, NM_001353951.2 and 2 more transcripts); c.2500G>A, p.Glu834Lys (NM_001353954.2, NM_001353955.2); c.2449G>A, p.Glu817Lys (NM_001353960.2); c.94G>A, p.Glu32Lys (NM_001353961.2); short protein forms E835K, E846K, E834K, E32K, E817K, E818K.
Identifiers: ClinVar variation 68519 (VCV000068519.1), dbSNP rs121917942, ClinGen allele CA284898.

ClinVar aggregate classification (germline): not provided (0 of 4 stars; one submission).

Conditions:
Severe myoclonic epilepsy in infancy (DRVT). Also called: SEVERE MYOCLONIC EPILEPSY OF INFANCY; DEVELOPMENTAL AND EPILEPTIC ENCEPHALOPATHY 6A; Severe Myoclonic Epilepsy in Infancy (SMEI); Dravet syndrome; Epileptic encephalopathy, early infantile, 6 (Dravet syndrome). Identifiers: Orphanet 33069, MedGen C0751122, MONDO:0100135, OMIM 607208.

Submission:

UniProtKB/Swiss-Prot
No classification provided. Condition: Severe myoclonic epilepsy in infancy. Review status: no classification provided. Collection method: not provided. Allele origin: unknown.
Comment: The variant at protein level is wrongly reported as E853K in PubMed 17054684